The following is an entry in ClinVar:

NM_003742.4(ABCB11):c.3487C>A (p.Pro1163Thr)

Gene: ABCB11 (ATP binding cassette subfamily B member 11; minus strand). Cytogenetic location: 2q31.1.
Variant type: single nucleotide variant.
Coding change: c.3487C>A on transcript NM_003742.4 (MANE Select); coding-DNA position 3487, C replaced by A.
Protein change: p.Pro1163Thr; replaces proline 1163 with threonine.
Molecular consequence: missense variant.
Genome position (GRCh38, 1-based): chr2:168,927,287, G>T on the plus strand (C>A on the coding strand, the complement: ABCB11 is on the minus strand). VCF-style: chr2-168927287-G-T. GRCh37 (hg19) VCF-style: chr2-169783797-G-T.
Other names: short protein forms P1163T.
Identifiers: ClinVar variation 2578874 (VCV002578874.25), dbSNP rs2545237498, ClinGen allele CA349119755.

ClinVar aggregate classification (germline): Uncertain significance (1 of 4 stars; one submission).

Submission:

CeGaT Center for Human Genetics Tuebingen
Classification: Uncertain significance. Last evaluated: 2023-07-01. Review status: criteria provided, single submitter. Criteria: CeGaT Center For Human Genetics Tuebingen Variant Classification Criteria Version 2. Collection method: clinical testing. Allele origin: germline. Affected: yes. Observed: 1 variant allele.
Comment: ABCB11: PM1, PM2